The following is an entry in ClinVar:

ClinVar aggregate classification (germline): Likely pathogenic (1 of 4 stars; one submission).

Allele frequency attached by ClinVar (database versions not stated): gnomAD 0.00001; TOPMed 0.00002.
gnomAD v4.1: 7 of 1,613,418 alleles (0.00043%); highest among the groups gnomAD compares: African/African-American, 0.0013%; no homozygotes.

Submission:

Labcorp Genetics (formerly Invitae), Labcorp
Classification: Likely pathogenic. Last evaluated: 2023-07-13. Review status: criteria provided, single submitter. Criteria: Invitae Variant Classification Sherloc (09022015). Collection method: clinical testing. Allele origin: germline.
Comment: In summary, the currently available evidence indicates that the variant is pathogenic, but additional data are needed to prove that conclusively. Therefore, this variant has been classified as Likely Pathogenic. Algorithms developed to predict the effect of sequence changes on RNA splicing suggest that this variant may disrupt the consensus splice site. This variant has not been reported in the literature in individuals affected with TPO-related conditions. This variant is present in population databases (no rsID available, gnomAD 0.007%). This sequence change affects an acceptor splice site in intron 6 of the TPO gene. It is expected to disrupt RNA splicing. Variants that disrupt the donor or acceptor splice site typically lead to a loss of protein function (PMID: 16199547), and loss-of-function variants in TPO are known to be pathogenic (PMID: 11061528, 23236987, 25564141).

Literature cited by the submitters: PubMed 16199547; PubMed 11061528; PubMed 23236987; PubMed 25564141.

NM_001206744.2(TPO):c.613-1G>A

Gene: TPO (thyroid peroxidase; plus strand). Cytogenetic location: 2p25.3.
Variant type: single nucleotide variant.
Coding change: c.613-1G>A on transcript NM_001206744.2 (MANE Select); the canonical splice acceptor site of the intron before coding-DNA position 613, G replaced by A.
Molecular consequence: splice acceptor variant.
Genome position (GRCh38, 1-based): chr2:1,456,075, G>A. VCF-style: chr2-1456075-G-A. GRCh37 (hg19) VCF-style: chr2-1459847-G-A.
Other names: c.613-1G>A (NM_000547.6, NM_175719.4, NM_001206745.2 and 2 more transcripts).
Identifiers: ClinVar variation 2867676 (VCV002867676.3), dbSNP rs909426053, ClinGen allele CA41388025.